The following is an entry in ClinVar:

NM_004656.4(BAP1):c.1352A>G (p.Lys451Arg)

Gene: BAP1 (BRCA1 associated deubiquitinase 1; minus strand). Cytogenetic location: 3p21.1.
Variant type: single nucleotide variant.
Coding change: c.1352A>G on transcript NM_004656.4 (MANE Select); coding-DNA position 1352, A replaced by G.
Protein change: p.Lys451Arg; replaces lysine 451 with arginine.
Molecular consequence: missense variant.
Genome position (GRCh38, 1-based): chr3:52,403,793, T>C on the plus strand (A>G on the coding strand, the complement: BAP1 is on the minus strand). VCF-style: chr3-52403793-T-C. GRCh37 (hg19) VCF-style: chr3-52437809-T-C.
Other names: c.1298A>G, p.Lys433Arg (NM_001410772.1); short protein forms K433R, K451R.
Identifiers: ClinVar variation 3730214 (VCV003730214.3).

ClinVar aggregate classification (germline): Conflicting classifications of pathogenicity. Review status: criteria provided, conflicting classifications (1 of 4 stars). 2 submissions from 2 submitters: Uncertain significance (1); Benign (1). Last evaluated 2026-02-03.

Conditions:
Hereditary cancer-predisposing syndrome. Also called: Hereditary Cancer Syndrome; Neoplastic Syndromes, Hereditary; Tumor predisposition; Hereditary neoplastic syndrome. Identifiers: Orphanet 140162, MedGen C0027672, MeSH D009386, MONDO:0015356.
BAP1-related tumor predisposition syndrome (TPDS1). Also called: Tumor susceptibility linked to germline BAP1 mutations; COMMON Syndrome; TUMOR PREDISPOSITION SYNDROME 1; BAP1 tumor predisposition syndrome. Identifiers: Orphanet 289539, MedGen C3280492, MONDO:0013692, OMIM 614327.

Submissions (2):

Ambry Genetics
Classification: Benign for Hereditary cancer-predisposing syndrome. Last evaluated: 2026-02-03. Review status: criteria provided, single submitter. Criteria: Ambry Variant Classification Scheme 2023. Collection method: clinical testing. Allele origin: germline.

Labcorp Genetics (formerly Invitae), Labcorp
Classification: Uncertain significance for BAP1-related tumor predisposition syndrome. Last evaluated: 2024-10-26. Review status: criteria provided, single submitter. Criteria: Invitae Variant Classification Sherloc (09022015). Collection method: clinical testing. Allele origin: germline.
Comment: This sequence change replaces lysine, which is basic and polar, with arginine, which is basic and polar, at codon 451 of the BAP1 protein (p.Lys451Arg). This variant is not present in population databases (gnomAD no frequency). This variant has not been reported in the literature in individuals affected with BAP1-related conditions. Invitae Evidence Modeling of protein sequence and biophysical properties (such as structural, functional, and spatial information, amino acid conservation, physicochemical variation, residue mobility, and thermodynamic stability) indicates that this missense variant is not expected to disrupt BAP1 protein function with a negative predictive value of 80%. In summary, the available evidence is currently insufficient to determine the role of this variant in disease. Therefore, it has been classified as a Variant of Uncertain Significance.